The following is an entry in ClinVar:

ClinVar aggregate classification (germline): Likely benign (1 of 4 stars; one submission).

Conditions:
Retinoblastoma (RB1). Also called: RETINOBLASTOMA, SOMATIC. Identifiers: Orphanet 790, MedGen C0035335, MeSH D012175, MONDO:0008380, OMIM 180200, HP:0009919. Disease mechanism: loss of function. Inheritance: Both sporadic and heritable forms are tested..

Submission:

All of Us Research Program, National Institutes of Health
Classification: Likely benign for Retinoblastoma. Last evaluated: 2023-03-23. Review status: criteria provided, single submitter. Criteria: ACMG Guidelines, 2015. Collection method: clinical testing. Allele origin: germline. Inheritance: Autosomal dominant inheritance. Observed: 1 variant allele, 1 heterozygote.
Comment: This study involves interpretation of variants in research participants for the purpose of population health screening. Participant phenotype was not available at the time of variant classification. Additional details can be found in publication PMID: 35346344, PMCID: PMC8962531

NM_000321.3(RB1):c.2490-1397_2490-1395del

Gene: RB1 (RB transcriptional corepressor 1; plus strand). Cytogenetic location: 13q14.2.
Variant type: Microsatellite.
Coding change: c.2490-1397_2490-1395del on transcript NM_000321.3 (MANE Select); 1397 bases into the intron before coding-DNA position 2490 through 1395 bases into the intron before coding-DNA position 2490, 3 bases deleted (TGA; older notation c.2490-1397_2490-1395delTGA).
Molecular consequence: intron variant.
Genome position (GRCh38, 1-based): chr13:48,471,963-48,471,965, TGA deleted; deleting any 3 consecutive bases within chr13:48,471,959-48,471,965 gives the same sequence; the c. name uses the placement nearest the transcript's 3' end. VCF-style (leftmost placement, unchanged base first): chr13-48471958-AATG-A. GRCh37 (hg19) VCF-style: chr13-49046094-AATG-A.
Other names: c.2490-1397_2490-1395del (NM_001407165.1).
Identifiers: ClinVar variation 3069908 (VCV003069908.1), dbSNP rs2542380621, ClinGen allele CA2825002189.